The following is an entry in ClinVar:

ClinVar aggregate classification (germline): Uncertain significance (1 of 4 stars; one submission).

Submission:

Ambry Genetics
Classification: Uncertain significance. Last evaluated: 2024-10-11. Review status: criteria provided, single submitter. Criteria: Ambry Variant Classification Scheme 2023. Collection method: clinical testing. Allele origin: germline.
Comment: The p.Y457C variant (also known as c.1370A>G), located in coding exon 8 of the GALNT12 gene, results from an A to G substitution at nucleotide position 1370. The tyrosine at codon 457 is replaced by cysteine, an amino acid with highly dissimilar properties. This amino acid position is conserved. In addition, this alteration is predicted to be tolerated by in silico analysis. Based on the available evidence, the clinical significance of this variant remains unclear.

NM_024642.5(GALNT12):c.1370A>G (p.Tyr457Cys)

Gene: GALNT12 (polypeptide N-acetylgalactosaminyltransferase 12; plus strand). Cytogenetic location: 9q22.33.
Variant type: single nucleotide variant.
Coding change: c.1370A>G on transcript NM_024642.5 (MANE Select); coding-DNA position 1370, A replaced by G.
Protein change: p.Tyr457Cys; replaces tyrosine 457 with cysteine.
Molecular consequence: missense variant.
Genome position (GRCh38, 1-based): chr9:98,844,121, A>G. VCF-style: chr9-98844121-A-G. GRCh37 (hg19) VCF-style: chr9-101606403-A-G.
Other names: short protein forms Y457C.
Identifiers: ClinVar variation 3518509 (VCV003518509.1).